The following is an entry in ClinVar:

ClinVar aggregate classification (germline): Benign/Likely benign. Review status: criteria provided, multiple submitters, no conflicts (2 of 4 stars). 4 submissions from 4 submitters: Benign (1); Likely benign (2). 1 of the submissions does not count toward it. Last evaluated 2026-04-01.

Conditions:
SON-related disorder. Also called: SON-related condition.

Allele frequency attached by ClinVar (database versions not stated): gnomAD 0.00291; 1000 Genomes Project 0.00339; 1000 Genomes Project 30x 0.00390; TOPMed 0.00406; ESP Exome Variant Server 0.00500.

Submissions (4):

CeGaT Center for Human Genetics Tuebingen
Classification: Likely benign. Last evaluated: 2026-04-01. Review status: criteria provided, single submitter. Criteria: CeGaT Center For Human Genetics Tuebingen Variant Classification Criteria Version 2. Collection method: clinical testing. Allele origin: germline. Affected: yes. Observed: 4 variant alleles.
Comment: SON: BP4, BP7, BS1

Labcorp Genetics (formerly Invitae), Labcorp
Classification: Benign. Last evaluated: 2026-01-19. Review status: criteria provided, single submitter. Criteria: Invitae Variant Classification Sherloc (09022015). Collection method: clinical testing. Allele origin: germline.

Blueprint Genetics
Classification: Likely benign. Last evaluated: 2024-11-25. Review status: criteria provided, single submitter. Criteria: ACMG Guidelines, 2015. Collection method: clinical testing. Allele origin: germline.

PreventionGenetics, part of Exact Sciences
Classification: Benign for SON-related condition. Last evaluated: 2019-03-07. Review status: no assertion criteria provided. Collection method: clinical testing. Allele origin: germline. Not counted in ClinVar's aggregate classification.
Comment: This variant is classified as benign based on ACMG/AMP sequence variant interpretation guidelines (Richards et al. 2015 PMID: 25741868, with internal and published modifications).

NM_138927.4(SON):c.2244C>G (p.Ser748=)

Gene: SON (SON DNA and RNA binding protein; plus strand). Cytogenetic location: 21q22.11.
Variant type: single nucleotide variant.
Coding change: c.2244C>G on transcript NM_138927.4 (MANE Select); coding-DNA position 2244, C replaced by G.
Protein change: p.Ser748=; no amino-acid change (serine 748 retained).
Molecular consequence: synonymous variant. On other transcripts: non-coding transcript variant (1), intron variant (1).
Genome position (GRCh38, 1-based): chr21:33,551,475, C>G. VCF-style: chr21-33551475-C-G. GRCh37 (hg19) VCF-style: chr21-34923781-C-G.
Other names: c.2244C>G (NM_138927.2); c.2244C>G, p.Ser748= (NM_001291411.2, NM_032195.3); c.244+5096C>G (NM_001291412.3).
Identifiers: ClinVar variation 724438 (VCV000724438.36), dbSNP rs138945763, ClinGen allele CA10009062.